The following is an entry in ClinVar:

NM_001291303.3(FAT4):c.12070C>T (p.Arg4024Trp)

Gene: FAT4 (FAT atypical cadherin 4; plus strand). Cytogenetic location: 4q28.1.
Variant type: single nucleotide variant.
Coding change: c.12070C>T on transcript NM_001291303.3 (MANE Select); coding-DNA position 12070, C replaced by T.
Protein change: p.Arg4024Trp; replaces arginine 4024 with tryptophan.
Molecular consequence: missense variant.
Genome position (GRCh38, 1-based): chr4:125,468,676, C>T. VCF-style: chr4-125468676-C-T. GRCh37 (hg19) VCF-style: chr4-126389831-C-T.
Other names: c.12070C>T, p.Arg4024Trp (NM_001291285.3); c.12064C>T, p.Arg4022Trp (NM_024582.6); short protein forms R4022W, R4024W.
Identifiers: ClinVar variation 380887 (VCV000380887.52), dbSNP rs138019311, ClinGen allele CA3074002.

ClinVar aggregate classification (germline): Conflicting classifications of pathogenicity. Review status: criteria provided, conflicting classifications (1 of 4 stars). 6 submissions from 6 submitters: Uncertain significance (1); Benign (3); Likely benign (1). 1 of the submissions does not count toward it. Last evaluated 2026-09-01.

Conditions:
FAT4-related disorder. Also called: FAT4-related condition.

Allele frequency attached by ClinVar (database versions not stated): TOPMed 0.00357; ExAC 0.00425; ESP Exome Variant Server 0.00477; 1000 Genomes Project 0.00260; 1000 Genomes Project 30x 0.00265; gnomAD 0.00321 and 0.00333.
gnomAD v4.1: 7,087 of 1,614,072 alleles (0.44%); highest among the groups gnomAD compares: Middle Eastern, 0.79%; 24 homozygotes.

Submissions (6):

CeGaT Center for Human Genetics Tuebingen
Classification: Likely benign. Last evaluated: 2026-09-01. Review status: criteria provided, single submitter. Criteria: CeGaT Center For Human Genetics Tuebingen Variant Classification Criteria Version 2. Collection method: clinical testing. Allele origin: germline. Affected: yes. Observed: 25 variant alleles.
Comment: FAT4: BS2

Labcorp Genetics (formerly Invitae), Labcorp
Classification: Benign. Last evaluated: 2026-01-27. Review status: criteria provided, single submitter. Criteria: Invitae Variant Classification Sherloc (09022015). Collection method: clinical testing. Allele origin: germline.

ARUP Laboratories, Molecular Genetics and Genomics, ARUP Laboratories
Classification: Benign. Last evaluated: 2023-09-07. Review status: criteria provided, single submitter. Criteria: ARUP Molecular Germline Variant Investigation Process 2024. Collection method: clinical testing. Allele origin: germline.

GeneDx
Classification: Benign. Last evaluated: 2016-07-05. Review status: criteria provided, single submitter. Criteria: GeneDx Variant Classification (06012015). Collection method: clinical testing. Allele origin: germline. Affected: yes.
Comment: This variant is considered likely benign or benign based on one or more of the following criteria: it is a conservative change, it occurs at a poorly conserved position in the protein, it is predicted to be benign by multiple in silico algorithms, and/or has population frequency not consistent with disease.

Genetic Services Laboratory, University of Chicago
Classification: Uncertain significance. Last evaluated: 2016-04-19. Review status: criteria provided, single submitter. Criteria: ACMG Guidelines, 2015. Collection method: clinical testing. Allele origin: germline. Affected: no.

PreventionGenetics, part of Exact Sciences
Classification: Benign for FAT4-related condition. Last evaluated: 2019-05-15. Review status: no assertion criteria provided. Collection method: clinical testing. Allele origin: germline. Not counted in ClinVar's aggregate classification.
Comment: This variant is classified as benign based on ACMG/AMP sequence variant interpretation guidelines (Richards et al. 2015 PMID: 25741868, with internal and published modifications).